The following is an entry in ClinVar:

NM_000133.4(F9):c.88+75A>G

Gene: F9 (coagulation factor IX; plus strand). Cytogenetic location: Xq27.1.
Variant type: single nucleotide variant.
Coding change: c.88+75A>G on transcript NM_000133.4 (MANE Select); 75 bases into the intron after coding-DNA position 88, A replaced by G.
Molecular consequence: intron variant.
Genome position (GRCh38, 1-based): chrX:139,530,927, A>G. VCF-style: chrX-139530927-A-G. GRCh37 (hg19) VCF-style: chrX-138613086-A-G.
Other names: NM_001313913.2:c.88+75A>G; c.88+75A>G (NM_001313913.2).
Identifiers: ClinVar variation 2775452 (VCV002775452.2), dbSNP rs3817939, ClinGen allele CA336128584.

ClinVar aggregate classification (germline): Benign (3 of 4 stars; one submission).

Conditions:
Hereditary factor IX deficiency disease (HEMB). Also called: F9 DEFICIENCY; FACTOR IX DEFICIENCY; PLASMA THROMBOPLASTIN COMPONENT DEFICIENCY; Hemophilia B; Christmas Disease. Identifiers: Orphanet 98879, MedGen C0008533, MeSH D002836, MONDO:0010604, OMIM 306900.

Allele frequency attached by ClinVar (database versions not stated): gnomAD 0.03828; TOPMed 0.05088; 1000 Genomes Project 0.08742; gnomAD exomes 0.03665; 1000 Genomes Project 30x 0.08595.
gnomAD v4.1: 33,348 of 899,344 alleles (3.7%); highest among the groups gnomAD compares: Admixed American, 23%; 1,463 homozygotes.

Submission:

ClinGen Coagulation Factor Deficiency Variant Curation Expert Panel, Clingen
Classification: Benign for Hereditary factor IX deficiency disease. Last evaluated: 2024-02-09. Review status: reviewed by expert panel. Criteria: ClinGen CoagFactor ACMG Specifications F9 V1.0.0. Collection method: curation. Allele origin: germline. Inheritance: X-linked inheritance.
Comment: The c.88+75A>G variant is reported at an MAF of 0.1727 (1595/9236 alleles) in the Latino population in gnomAD v3 with 580 hemizygotes and 103 homozygotes, meeting BA1 criteria of MAF > 0.0000556. The variant is listed as a polymorphism in the EAHAD database. SpliceAI predicts no impact on splicing, which meets the BP4 criteria. In summary, this variant meets criteria to be classified as benign. ACMG/AMP criteria applied, as specified by the Coagulation Factor Deficiency Variant Curation Expert Panel for F9: BA1, BP4.